The following is an entry in ClinVar:

ClinVar aggregate classification (germline): Benign/Likely benign. Review status: criteria provided, multiple submitters, no conflicts (2 of 4 stars). 3 submissions from 3 submitters: Benign (1); Likely benign (2). Last evaluated 2025-12-30.

Conditions:
Hereditary cancer-predisposing syndrome. Also called: Hereditary neoplastic syndrome; Tumor predisposition; Hereditary Cancer Syndrome; Neoplastic Syndromes, Hereditary. Identifiers: Orphanet 140162, MedGen C0027672, MeSH D009386, MONDO:0015356.
POLD1-related polyposis and colorectal cancer syndrome (CRCS10). Also called: Colorectal cancer, susceptibility to, 10; Colorectal cancer 10; COLORECTAL CANCER, SUSCEPTIBILITY TO, ON CHROMOSOME 19q. Identifiers: Orphanet 220460, MedGen C2675481, MONDO:0012953, OMIM 612591.

Allele frequency attached by ClinVar (database versions not stated): gnomAD exomes 0.00001.
gnomAD v4.1: 17 of 1,588,334 alleles (0.0011%); highest among the groups gnomAD compares: Non-Finnish European, 0.0015%; no homozygotes.

Submissions (3):

Labcorp Genetics (formerly Invitae), Labcorp
Classification: Likely benign for POLD1-related polyposis and colorectal cancer syndrome. Last evaluated: 2025-12-30. Review status: criteria provided, single submitter. Criteria: Invitae Variant Classification Sherloc (09022015). Collection method: clinical testing. Allele origin: germline.

Myriad Genetics, Inc.
Classification: Benign for POLD1-related polyposis and colorectal cancer syndrome. Last evaluated: 2025-02-06. Review status: criteria provided, single submitter. Criteria: Myriad Autosomal Dominant, Autosomal Recessive and X-Linked Classification Criteria (2023). Collection method: clinical testing. Allele origin: unknown.
Comment: This variant is considered benign. This variant is a silent/synonymous amino acid change and it is not expected to impact splicing.

Ambry Genetics
Classification: Likely benign for Hereditary cancer-predisposing syndrome. Last evaluated: 2018-06-04. Review status: criteria provided, single submitter. Criteria: Ambry Variant Classification Scheme 2023. Collection method: clinical testing. Allele origin: germline.

NM_002691.4(POLD1):c.1476C>T (p.Ser492=)

Gene: POLD1 (DNA polymerase delta 1, catalytic subunit; plus strand). Cytogenetic location: 19q13.33.
Variant type: single nucleotide variant.
Coding change: c.1476C>T on transcript NM_002691.4 (MANE Select); coding-DNA position 1476, C replaced by T.
Protein change: p.Ser492=; no amino-acid change (serine 492 retained).
Molecular consequence: synonymous variant. On other transcripts: non-coding transcript variant (1).
Genome position (GRCh38, 1-based): chr19:50,406,499, C>T. VCF-style: chr19-50406499-C-T. GRCh37 (hg19) VCF-style: chr19-50909756-C-T.
Other names: c.1476C>T, p.Ser492= (NM_001256849.1, NM_001308632.1).
Identifiers: ClinVar variation 701717 (VCV000701717.14), dbSNP rs1568626807, ClinGen allele CA508304764.
Genomic context (GRCh38, chr19:50,406,499, plus strand): 5'-CACGCTCAATGCCGTGAGCTTCCACTTCCTGGGCGAGCAGAAGGAGGACGTGCAGCACAG[C>T]ATCATCACCGACCTGCAGGTGCCTGCTGCCTCCCTGACCTCTCACCCCAACCTCTGACCT-3'
Protein context (NP_002682.2, residues 482-502): LGEQKEDVQH[Ser492=]IITDLQNGND